The following is an entry in ClinVar:

NM_017514.5(PLXNA3):c.2202C>T (p.Ala734=)

Gene: PLXNA3 (plexin A3; plus strand). Cytogenetic location: Xq28.
Variant type: single nucleotide variant.
Coding change: c.2202C>T on transcript NM_017514.5 (MANE Select); coding-DNA position 2202, C replaced by T.
Protein change: p.Ala734=; no amino-acid change (alanine 734 retained).
Molecular consequence: synonymous variant.
Genome position (GRCh38, 1-based): chrX:154,465,176, C>T. VCF-style: chrX-154465176-C-T. GRCh37 (hg19) VCF-style: chrX-153693519-C-T.
Identifiers: ClinVar variation 748529 (VCV000748529.5), dbSNP rs370105284, ClinGen allele CA10564298.
Genomic context (GRCh38, chrX:154,465,176, plus strand): 5'-GGGCCAGAAGAACTATGAGTGCGTGGTGCGGGTGCAGGGGCGGCAGCAGCGGGTGCCTGC[C>T]GTGCGCTTCAACAGCAGCAGTGTGCAGTGCCAGAACGCCTCGGTGAGGTCCCACCCGCTG-3'
Protein context (NP_059984.3, residues 724-744): RVQGRQQRVP[Ala734=]VRFNSSSVQC

ClinVar aggregate classification (germline): Likely benign. Review status: criteria provided, single submitter (1 of 4 stars). 2 submissions from 2 submitters: Likely benign (1). 1 of the submissions does not count toward it. Last evaluated 2018-05-31.

Conditions:
PLXNA3-related disorder. Also called: PLXNA3-related condition.

Allele frequency attached by ClinVar (database versions not stated): gnomAD exomes 0.00005; ExAC 0.00006; ESP Exome Variant Server 0.00009; TOPMed 0.00001; gnomAD 0.00004.
gnomAD v4.1: 63 of 1,208,593 alleles (0.0052%); highest among the groups gnomAD compares: South Asian, 0.012%; no homozygotes.

Submissions (2):

Labcorp Genetics (formerly Invitae), Labcorp
Classification: Likely benign. Last evaluated: 2018-05-31. Review status: criteria provided, single submitter. Criteria: Invitae Variant Classification Sherloc (09022015). Collection method: clinical testing. Allele origin: germline.

PreventionGenetics, part of Exact Sciences
Classification: Likely benign for PLXNA3-related condition. Last evaluated: 2022-02-11. Review status: no assertion criteria provided. Collection method: clinical testing. Allele origin: germline. Not counted in ClinVar's aggregate classification.
Comment: This variant is classified as likely benign based on ACMG/AMP sequence variant interpretation guidelines (Richards et al. 2015 PMID: 25741868, with internal and published modifications).